The following is an entry in ClinVar:

NM_016239.4(MYO15A):c.4320+2_4320+3insA

Gene: MYO15A (myosin XVA; plus strand). Cytogenetic location: 17p11.2.
Variant type: Insertion.
Coding change: c.4320+2_4320+3insA on transcript NM_016239.4 (MANE Select); the canonical splice donor site of the intron after coding-DNA position 4320 through 3 bases into the intron after coding-DNA position 4320, A inserted.
Molecular consequence: intron variant.
Genome position: GRCh38 VCF-style: chr17-18132568-T-TA. GRCh37 (hg19) VCF-style: chr17-18035882-T-TA.
Identifiers: ClinVar variation 1958235 (VCV001958235.2), dbSNP rs764150724, ClinGen allele CA8423844.

ClinVar aggregate classification (germline): Uncertain significance (1 of 4 stars; one submission).

Allele frequency attached by ClinVar (database versions not stated): gnomAD exomes below 0.00001; TOPMed 0.00001; ExAC 0.00002.

Submission:

Labcorp Genetics (formerly Invitae), Labcorp
Classification: Uncertain significance. Last evaluated: 2022-06-19. Review status: criteria provided, single submitter. Criteria: Invitae Variant Classification Sherloc (09022015). Collection method: clinical testing. Allele origin: germline.
Comment: This sequence change falls in intron 11 of the MYO15A gene. It does not directly change the encoded amino acid sequence of the MYO15A protein. It affects a nucleotide within the consensus splice site. This variant is present in population databases (rs764150724, gnomAD 0.009%). This variant has not been reported in the literature in individuals affected with MYO15A-related conditions. Variants that disrupt the consensus splice site are a relatively common cause of aberrant splicing (PMID: 17576681, 9536098). Algorithms developed to predict the effect of sequence changes on RNA splicing suggest that this variant is not likely to affect RNA splicing. In summary, the available evidence is currently insufficient to determine the role of this variant in disease. Therefore, it has been classified as a Variant of Uncertain Significance.

Literature cited by the submitters: PubMed 17576681; PubMed 9536098.